The following is an entry in ClinVar:

NM_033026.6(PCLO):c.11328G>C (p.Glu3776Asp)

Gene: PCLO (piccolo presynaptic cytomatrix protein; minus strand). Cytogenetic location: 7q21.11.
Variant type: single nucleotide variant.
Coding change: c.11328G>C on transcript NM_033026.6 (MANE Select); coding-DNA position 11328, G replaced by C.
Protein change: p.Glu3776Asp; replaces glutamic acid 3776 with aspartic acid.
Molecular consequence: missense variant.
Genome position (GRCh38, 1-based): chr7:82,916,658, C>G on the plus strand (G>C on the coding strand, the complement: PCLO is on the minus strand). VCF-style: chr7-82916658-C-G. GRCh37 (hg19) VCF-style: chr7-82545974-C-G.
Other names: c.11328G>C, p.Glu3776Asp (NM_014510.3); short protein forms E3776D.
Identifiers: ClinVar variation 453023 (VCV000453023.6), dbSNP rs780410473, ClinGen allele CA4319573.
Genomic context (GRCh38, chr7:82,916,658, plus strand): 5'-AGCATCAATCTCCTTTTCTTCTTCATCAAGCTCTGCTTGTTTCTTTCGAAGTTTTGCAGA[C>G]TCCCTTTCCACAAGATCAAGCTCTCTGTCTATGTCCTGGAGAATCTTGGCTCGTGCCATT-3'
Protein context (NP_149015.2, residues 3766-3786): IDRELDLVER[Glu3776Asp]SAKLRKKQAE

ClinVar aggregate classification (germline): Uncertain significance. Review status: criteria provided, multiple submitters, no conflicts (2 of 4 stars). 2 submissions from 2 submitters: Uncertain significance (2). Last evaluated 2026-01-25.

Conditions:
Inborn genetic diseases. Identifiers: MedGen C0950123, MeSH D030342.

Allele frequency attached by ClinVar (database versions not stated): gnomAD exomes 0.00001 and 0.00008; gnomAD 0.00002; TOPMed 0.00002; ExAC 0.00007.
gnomAD v4.1: 14 of 1,613,514 alleles (0.00087%); highest among the groups gnomAD compares: East Asian, 0.029%; no homozygotes.

Submissions (2):

GeneDx
Classification: Uncertain significance. Last evaluated: 2026-01-25. Review status: criteria provided, single submitter. Criteria: GeneDx Variant Classification Process June 2021. Collection method: clinical testing. Allele origin: germline. Affected: yes.
Comment: In silico analysis supports that this missense variant has a deleterious effect on protein structure/function; Has not been previously published as pathogenic or benign to our knowledge

Ambry Genetics
Classification: Uncertain significance for Inborn genetic diseases. Last evaluated: 2023-05-17. Review status: criteria provided, single submitter. Criteria: Ambry Variant Classification Scheme 2023. Collection method: clinical testing. Allele origin: germline.